The following is an entry in ClinVar:

ClinVar aggregate classification (germline): Uncertain significance. Review status: criteria provided, multiple submitters, no conflicts (2 of 4 stars). 2 submissions from 2 submitters: Uncertain significance (2). Last evaluated 2026-02-04.

Conditions:
Hereditary cancer-predisposing syndrome. Also called: Neoplastic Syndromes, Hereditary; Tumor predisposition; Hereditary Cancer Syndrome; Hereditary neoplastic syndrome. Identifiers: Orphanet 140162, MedGen C0027672, MeSH D009386, MONDO:0015356.

Submissions (2):

Ambry Genetics
Classification: Uncertain significance for Hereditary cancer-predisposing syndrome. Last evaluated: 2026-02-04. Review status: criteria provided, single submitter. Criteria: Ambry Variant Classification Scheme 2023. Collection method: clinical testing. Allele origin: germline.
Comment: The p.G87W variant (also known as c.259G>T), located in coding exon 1 of the MET gene, results from a G to T substitution at nucleotide position 259. The glycine at codon 87 is replaced by tryptophan, an amino acid with highly dissimilar properties. This amino acid position is highly conserved in available vertebrate species. In addition, this alteration is predicted to be deleterious by in silico analysis. Based on the available evidence, the clinical significance of this variant remains unclear.

GeneDx
Classification: Uncertain significance. Last evaluated: 2023-02-07. Review status: criteria provided, single submitter. Criteria: GeneDx Variant Classification Process June 2021. Collection method: clinical testing. Allele origin: germline. Affected: yes.
Comment: Not observed at significant frequency in large population cohorts (gnomAD); In silico analysis supports that this missense variant has a deleterious effect on protein structure/function; Has not been previously published as pathogenic or benign to our knowledge

NM_000245.4(MET):c.259G>T (p.Gly87Trp)

Gene: MET (MET proto-oncogene, receptor tyrosine kinase; plus strand). Cytogenetic location: 7q31.2.
Variant type: single nucleotide variant.
Coding change: c.259G>T on transcript NM_000245.4 (MANE Select); coding-DNA position 259, G replaced by T.
Protein change: p.Gly87Trp; replaces glycine 87 with tryptophan.
Molecular consequence: missense variant. On other transcripts: intron variant (1).
Genome position (GRCh38, 1-based): chr7:116,699,343, G>T. VCF-style: chr7-116699343-G-T. GRCh37 (hg19) VCF-style: chr7-116339397-G-T.
Other names: c.259G>T, p.Gly87Trp (NM_001127500.3, NM_001324401.3); c.-91+26766G>T (NM_001324402.2); short protein forms G87W.
Identifiers: ClinVar variation 2574777 (VCV002574777.2), dbSNP rs2116584163, ClinGen allele CA368968683.